The following is an entry in ClinVar:

ClinVar aggregate classification (germline): Benign/Likely benign. Review status: criteria provided, multiple submitters, no conflicts (2 of 4 stars). 3 submissions from 3 submitters: Benign (1); Likely benign (2). Last evaluated 2026-01-21.

Conditions:
STX3-related disorder. Also called: STX3-related condition.

Allele frequency attached by ClinVar (database versions not stated): gnomAD exomes 0.00011 and 0.00032; ExAC 0.00039; gnomAD 0.00130 and 0.00139; TOPMed 0.00150; 1000 Genomes Project 30x 0.00172; 1000 Genomes Project 0.00180; ESP Exome Variant Server 0.00185.
gnomAD v4.1: 367 of 1,614,034 alleles (0.023%); highest among the groups gnomAD compares: African/African-American, 0.43%; 4 homozygotes.

Submissions (3):

Labcorp Genetics (formerly Invitae), Labcorp
Classification: Benign. Last evaluated: 2026-01-21. Review status: criteria provided, single submitter. Criteria: Invitae Variant Classification Sherloc (09022015). Collection method: clinical testing. Allele origin: germline.

PreventionGenetics, part of Exact Sciences
Classification: Likely benign for STX3-related condition. Last evaluated: 2025-12-30. Review status: criteria provided, single submitter. Criteria: ACMG Guidelines, 2015. Collection method: clinical testing. Allele origin: germline.
Comment: This variant is classified as likely benign based on ACMG/AMP sequence variant interpretation guidelines (Richards et al. 2015 PMID: 25741868, with internal and published modifications).

Blueprint Genetics
Classification: Likely benign. Last evaluated: 2024-09-02. Review status: criteria provided, single submitter. Criteria: ACMG Guidelines, 2015. Collection method: clinical testing. Allele origin: germline.

NM_004177.5(STX3):c.645T>C (p.Phe215=)

Gene: STX3 (syntaxin 3; plus strand). Cytogenetic location: 11q12.1.
Variant type: single nucleotide variant.
Coding change: c.645T>C on transcript NM_004177.5 (MANE Select); coding-DNA position 645, T replaced by C.
Protein change: p.Phe215=; no amino-acid change (phenylalanine 215 retained).
Molecular consequence: synonymous variant.
Genome position (GRCh38, 1-based): chr11:59,793,484, T>C. VCF-style: chr11-59793484-T-C. GRCh37 (hg19) VCF-style: chr11-59560957-T-C.
Other names: c.645T>C, p.Phe215= (NM_001178040.3).
Identifiers: ClinVar variation 715490 (VCV000715490.11), dbSNP rs34900239, ClinGen allele CA6020952.